The following is an entry in ClinVar:

ClinVar aggregate classification (germline): Uncertain significance. Review status: criteria provided, multiple submitters, no conflicts (2 of 4 stars). 2 submissions from 2 submitters: Uncertain significance (2). Last evaluated 2024-12-06.

Conditions:
Hereditary cancer-predisposing syndrome. Also called: Tumor predisposition; Hereditary neoplastic syndrome; Hereditary Cancer Syndrome; Neoplastic Syndromes, Hereditary. Identifiers: Orphanet 140162, MedGen C0027672, MeSH D009386, MONDO:0015356.

Submissions (2):

Ambry Genetics
Classification: Uncertain significance for Hereditary cancer-predisposing syndrome. Last evaluated: 2024-12-06. Review status: criteria provided, single submitter. Criteria: Ambry Variant Classification Scheme 2023. Collection method: clinical testing. Allele origin: germline.
Comment: The p.V264I variant (also known as c.790G>A), located in coding exon 8 of the POLE gene, results from a G to A substitution at nucleotide position 790. The valine at codon 264 is replaced by isoleucine, an amino acid with highly similar properties. This amino acid position is highly conserved in available vertebrate species. In addition, this alteration is predicted to be tolerated by in silico analysis. Based on the available evidence, the clinical significance of this variant remains unclear.

Labcorp Genetics (formerly Invitae), Labcorp
Classification: Uncertain significance. Last evaluated: 2023-03-09. Review status: criteria provided, single submitter. Criteria: Invitae Variant Classification Sherloc (09022015). Collection method: clinical testing. Allele origin: germline.
Comment: In summary, the available evidence is currently insufficient to determine the role of this variant in disease. Therefore, it has been classified as a Variant of Uncertain Significance. Advanced modeling of protein sequence and biophysical properties (such as structural, functional, and spatial information, amino acid conservation, physicochemical variation, residue mobility, and thermodynamic stability) performed at Invitae indicates that this missense variant is not expected to disrupt POLE protein function. ClinVar contains an entry for this variant (Variation ID: 964206). This variant has not been reported in the literature in individuals affected with POLE-related conditions. This variant is not present in population databases (gnomAD no frequency). This sequence change replaces valine, which is neutral and non-polar, with isoleucine, which is neutral and non-polar, at codon 264 of the POLE protein (p.Val264Ile).

NM_006231.4(POLE):c.790G>A (p.Val264Ile)

Gene: POLE (DNA polymerase epsilon, catalytic subunit; minus strand). Cytogenetic location: 12q24.33.
Variant type: single nucleotide variant.
Coding change: c.790G>A on transcript NM_006231.4 (MANE Select); coding-DNA position 790, G replaced by A.
Protein change: p.Val264Ile; replaces valine 264 with isoleucine.
Molecular consequence: missense variant.
Genome position (GRCh38, 1-based): chr12:132,677,374, C>T on the plus strand (G>A on the coding strand, the complement: POLE is on the minus strand). VCF-style: chr12-132677374-C-T. GRCh37 (hg19) VCF-style: chr12-133253960-C-T.
Other names: c.790G>A (NM_006231.2); short protein forms V264I.
Identifiers: ClinVar variation 964206 (VCV000964206.8), dbSNP rs2043077378, ClinGen allele CA387364422.